The following is an entry in ClinVar:

NM_001363711.2(DUOX2):c.4265C>A (p.Thr1422Asn)

Gene: DUOX2 (dual oxidase 2; minus strand). Cytogenetic location: 15q21.1.
Variant type: single nucleotide variant.
Coding change: c.4265C>A on transcript NM_001363711.2 (MANE Select); coding-DNA position 4265, C replaced by A.
Protein change: p.Thr1422Asn; replaces threonine 1422 with asparagine.
Molecular consequence: missense variant.
Genome position (GRCh38, 1-based): chr15:45,095,066, G>T on the plus strand (C>A on the coding strand, the complement: DUOX2 is on the minus strand). VCF-style: chr15-45095066-G-T. GRCh37 (hg19) VCF-style: chr15-45387264-G-T.
Other names: c.4265C>A, p.Thr1422Asn (NM_014080.5); short protein forms T1422N.
Identifiers: ClinVar variation 2695279 (VCV002695279.3), dbSNP rs2504737874, ClinGen allele CA392250889.

ClinVar aggregate classification (germline): Uncertain significance (1 of 4 stars; one submission).

Allele frequency attached by ClinVar (database versions not stated): gnomAD exomes below 0.00001.
gnomAD v4.1: 1 of 1,614,020 alleles (0.000062%); highest among the groups gnomAD compares: Non-Finnish European, 0.000085%; no homozygotes.

Submission:

Labcorp Genetics (formerly Invitae), Labcorp
Classification: Uncertain significance. Last evaluated: 2023-11-12. Review status: criteria provided, single submitter. Criteria: Invitae Variant Classification Sherloc (09022015). Collection method: clinical testing. Allele origin: germline.
Comment: This sequence change replaces threonine, which is neutral and polar, with asparagine, which is neutral and polar, at codon 1422 of the DUOX2 protein (p.Thr1422Asn). This variant is not present in population databases (gnomAD no frequency). This variant has not been reported in the literature in individuals affected with DUOX2-related conditions. Advanced modeling of protein sequence and biophysical properties (such as structural, functional, and spatial information, amino acid conservation, physicochemical variation, residue mobility, and thermodynamic stability) performed at Invitae indicates that this missense variant is not expected to disrupt DUOX2 protein function with a negative predictive value of 95%. In summary, the available evidence is currently insufficient to determine the role of this variant in disease. Therefore, it has been classified as a Variant of Uncertain Significance.